The following is an entry in ClinVar:

NM_017617.5(NOTCH1):c.6227C>T (p.Thr2076Ile)

Gene: NOTCH1 (notch receptor 1; minus strand). Cytogenetic location: 9q34.3.
Variant type: single nucleotide variant.
Coding change: c.6227C>T on transcript NM_017617.5 (MANE Select); coding-DNA position 6227, C replaced by T.
Protein change: p.Thr2076Ile; replaces threonine 2076 with isoleucine.
Molecular consequence: missense variant.
Genome position (GRCh38, 1-based): chr9:136,497,512, G>A on the plus strand (C>T on the coding strand, the complement: NOTCH1 is on the minus strand). VCF-style: chr9-136497512-G-A. GRCh37 (hg19) VCF-style: chr9-139391964-G-A.
Other names: c.6227C>T, p.Thr2076Ile (LRG_1122t1); c.6227C>T (NM_017617.4); short protein forms T2076I.
Identifiers: ClinVar variation 409056 (VCV000409056.9), dbSNP rs1022510242, ClinGen allele CA16612815.

ClinVar aggregate classification (germline): Conflicting classifications of pathogenicity. Review status: criteria provided, conflicting classifications (1 of 4 stars). 3 submissions from 3 submitters: Uncertain significance (1); Likely benign (2). Last evaluated 2025-10-28.

Conditions:
Connective tissue disorder. Also called: Connective tissue disease. Identifiers: MedGen C0009782, MONDO:0003900.
NOTCH1-related disorder. Also called: NOTCH1-related disorders; NOTCH1-related condition.
Adams-Oliver syndrome 5 (AOS5). Identifiers: Orphanet 974, MedGen C4014970, MONDO:0014459, OMIM 616028.

Allele frequency attached by ClinVar (database versions not stated): gnomAD exomes below 0.00001; gnomAD 0.00001; TOPMed 0.00001.
gnomAD v4.1: 3 of 1,610,892 alleles (0.00019%); highest among the groups gnomAD compares: Non-Finnish European, 0.00017%; no homozygotes.

Submissions (3):

PreventionGenetics, part of Exact Sciences
Classification: Uncertain significance for NOTCH1-related condition. Last evaluated: 2025-10-28. Review status: criteria provided, single submitter. Criteria: ACMG Guidelines, 2015. Collection method: clinical testing. Allele origin: germline.
Comment: The NOTCH1 c.6227C>T variant is predicted to result in the amino acid substitution p.Thr2076Ile. This variant was detected in a cohort of patients with non-obstructive azoospermia (Nagirnaja et al. 2022. PubMed ID: 36572685). This variant is reported in 0.0065% of alleles in individuals of European (Non-Finnish) descent in gnomAD. At this time, the clinical significance of this variant is uncertain due to the absence of conclusive functional and genetic evidence.

Labcorp Genetics (formerly Invitae), Labcorp
Classification: Likely benign for Adams-Oliver syndrome 5. Last evaluated: 2024-05-28. Review status: criteria provided, single submitter. Criteria: Invitae Variant Classification Sherloc (09022015). Collection method: clinical testing. Allele origin: germline.

Center for Human Genetics, Inc
Classification: Likely benign for Connective tissue disorder. Last evaluated: 2016-11-01. Review status: criteria provided, single submitter. Criteria: ACMG Guidelines, 2015. Collection method: clinical testing. Allele origin: germline. Affected: yes.